The following is an entry in ClinVar:

NM_001127671.2(LIFR):c.*6316C>T

Gene: LIFR (LIF receptor subunit alpha; minus strand). Cytogenetic location: 5p13.1.
Variant type: single nucleotide variant.
Coding change: c.*6316C>T on transcript NM_001127671.2 (MANE Select); 6316 bases downstream of the stop codon, C replaced by T.
Molecular consequence: 3 prime UTR variant.
Genome position (GRCh38, 1-based): chr5:38,475,279, G>A on the plus strand (C>T on the coding strand, the complement: LIFR is on the minus strand). VCF-style: chr5-38475279-G-A. GRCh37 (hg19) VCF-style: chr5-38475381-G-A.
Other names: c.*6316C>T (NM_001364297.2, NM_001364298.2, NM_002310.6).
Identifiers: ClinVar variation 353522 (VCV000353522.5), dbSNP rs115572283, ClinGen allele CA10620389.

ClinVar aggregate classification (germline): Benign (1 of 4 stars; one submission).

Conditions:
Stuve-Wiedemann syndrome (STWS). Also called: Stüve-Wiedemann syndrome. Identifiers: Orphanet 3206, MedGen C0796176, MONDO:0031280.

Allele frequency attached by ClinVar (database versions not stated): gnomAD exomes 0.00165; gnomAD 0.01249 and 0.01333; 1000 Genomes Project 0.01418; TOPMed 0.01451; 1000 Genomes Project 30x 0.01468.
gnomAD v4.1: 1,953 of 193,928 alleles (1%); highest among the groups gnomAD compares: African/African-American, 4.2%; 37 homozygotes.

Submission:

Illumina Laboratory Services, Illumina
Classification: Benign for Stüve-Wiedemann syndrome 1. Last evaluated: 2018-01-12. Review status: criteria provided, single submitter. Criteria: ICSL Variant Classification Criteria 13 December 2019. Collection method: clinical testing. Allele origin: germline.
Comment: This variant was observed in the ICSL laboratory as part of a predisposition screen in an ostensibly healthy population. It had not been previously curated by ICSL or reported in the Human Gene Mutation Database (HGMD: prior to June 1st, 2018), and was therefore a candidate for classification through an automated scoring system. Utilizing variant allele frequency, disease prevalence and penetrance estimates, and inheritance mode, an automated score was calculated to assess if this variant is too frequent to cause the disease. Based on the score and internal cut-off values, a variant classified as benign is not then subjected to further curation. The score for this variant resulted in a classification of benign for this disease.